The following is an entry in ClinVar:

NM_005422.4(TECTA):c.2945T>C (p.Leu982Pro)

Genes: TBCEL-TECTA (TBCEL-TECTA readthrough; plus strand), TECTA (tectorin alpha; plus strand). Cytogenetic location: 11q23.3.
Variant type: single nucleotide variant.
Coding change: c.2945T>C on transcript NM_005422.4 (MANE Select); coding-DNA position 2945, T replaced by C.
Protein change: p.Leu982Pro; replaces leucine 982 with proline.
Molecular consequence: missense variant.
Genome position (GRCh38, 1-based): chr11:121,137,424, T>C. VCF-style: chr11-121137424-T-C. GRCh37 (hg19) VCF-style: chr11-121008133-T-C.
Other names: c.3902T>C, p.Leu1301Pro (NM_001378761.1); short protein forms L982P, L1301P.
Identifiers: ClinVar variation 45324 (VCV000045324.26), dbSNP rs141616288, ClinGen allele CA136038.
Genomic context (GRCh38, chr11:121,137,424, plus strand): 5'-TTCTGTCTCTGACTTTTGTCCTTTTCTCAAACCCGTCTTCTCCTTGACCACCTGCAGCAC[T>C]GGAGTGCCCAGAGAACAGCCACTTTGAGGAGTGCATCACATGTACAGAGACCTGTGAGAC-3'
Protein context (NP_005413.2, residues 972-992): GPWRTYDFCP[Leu982Pro]ECPENSHFEE

ClinVar aggregate classification (germline): Conflicting classifications of pathogenicity. Review status: criteria provided, conflicting classifications (1 of 4 stars). 8 submissions from 7 submitters: Uncertain significance (6); Likely benign (2). Last evaluated 2025-12-18.

Conditions:
TECTA-related disorder. Also called: TECTA-related condition.
Autosomal recessive nonsyndromic hearing loss 21. Identifiers: Orphanet 90636, MedGen C1863655, MONDO:0011351, OMIM 603629.
Autosomal dominant nonsyndromic hearing loss 12. Also called: DEAFNESS, AUTOSOMAL DOMINANT 8. Identifiers: Orphanet 90635, MedGen C1832187, MONDO:0011102, OMIM 601543.

Allele frequency attached by ClinVar (database versions not stated): ExAC 0.00016; gnomAD exomes 0.00019 and 0.00049; gnomAD 0.00021 and 0.00022; TOPMed 0.00026; ESP Exome Variant Server 0.00031.
gnomAD v4.1: 765 of 1,613,828 alleles (0.047%); highest among the groups gnomAD compares: Non-Finnish European, 0.06%; 1 homozygote.

Submissions (8):

PreventionGenetics, part of Exact Sciences
Classification: Uncertain significance for TECTA-related condition. Last evaluated: 2025-12-18. Review status: criteria provided, single submitter. Criteria: ACMG Guidelines, 2015. Collection method: clinical testing. Allele origin: germline.
Comment: The TECTA c.2945T>C variant is predicted to result in the amino acid substitution p.Leu982Pro. To our knowledge, this variant has not been reported in the literature. This variant is reported in 0.034% of alleles in individuals of European (Non-Finnish) descent in gnomAD. At this time, the clinical significance of this variant is uncertain due to the absence of conclusive functional and genetic evidence.

Labcorp Genetics (formerly Invitae), Labcorp
Classification: Likely benign. Last evaluated: 2025-10-22. Review status: criteria provided, single submitter. Criteria: Invitae Variant Classification Sherloc (09022015). Collection method: clinical testing. Allele origin: germline.

CeGaT Center for Human Genetics Tuebingen
Classification: Likely benign. Last evaluated: 2025-04-01. Review status: criteria provided, single submitter. Criteria: CeGaT Center For Human Genetics Tuebingen Variant Classification Criteria Version 2. Collection method: clinical testing. Allele origin: germline. Affected: yes. Observed: 1 variant allele.
Comment: TECTA: BS2

Greenwood Genetic Center Diagnostic Laboratories, Greenwood Genetic Center
Classification: Uncertain significance. Last evaluated: 2023-08-09. Review status: criteria provided, single submitter. Criteria: ACMG Guidelines, 2015. Collection method: clinical testing. Allele origin: germline. Affected: yes.
Comment: PP3

GeneDx
Classification: Uncertain significance. Last evaluated: 2022-06-01. Review status: criteria provided, single submitter. Criteria: GeneDx Variant Classification Process June 2021. Collection method: clinical testing. Allele origin: germline. Affected: yes.
Comment: In silico analysis supports that this missense variant has a deleterious effect on protein structure/function; Has not been previously published as pathogenic or benign to our knowledge; This variant is associated with the following publications: (PMID: 31554319, 9590290, 21520338)

Illumina Laboratory Services, Illumina
Classification: Uncertain significance for Autosomal recessive nonsyndromic hearing loss 21. Last evaluated: 2018-01-13. Review status: criteria provided, single submitter. Criteria: ICSL Variant Classification Criteria 13 December 2019. Collection method: clinical testing. Allele origin: germline.

Illumina Laboratory Services, Illumina
Classification: Uncertain significance for Autosomal dominant nonsyndromic hearing loss 12. Last evaluated: 2018-01-13. Review status: criteria provided, single submitter. Criteria: ICSL Variant Classification Criteria 13 December 2019. Collection method: clinical testing. Allele origin: germline.

Laboratory for Molecular Medicine, Mass General Brigham Personalized Medicine
Classification: Uncertain significance. Last evaluated: 2014-12-24. Review status: criteria provided, single submitter. Criteria: LMM Criteria. Collection method: clinical testing. Allele origin: germline. Observed: 2 variant alleles.
Comment: Although this variant has been s een in the general population, its frequency is not high enough to rule out a pa thogenic role. Computational prediction tools and conservation analysis suggest that this variant may impact the protein, though this information is not predict ive enough to determine pathogenicity. In summary, the clinical significance of the p.Leu982Pro variant is uncertain.